The following is an entry in ClinVar:

NM_001111125.3(IQSEC2):c.503G>T (p.Arg168Leu)

Gene: IQSEC2 (IQ motif and Sec7 domain ArfGEF 2; minus strand). Cytogenetic location: Xp11.22.
Variant type: single nucleotide variant.
Coding change: c.503G>T on transcript NM_001111125.3 (MANE Select); coding-DNA position 503, G replaced by T.
Protein change: p.Arg168Leu; replaces arginine 168 with leucine.
Molecular consequence: missense variant.
Genome position (GRCh38, 1-based): chrX:53,320,621, C>A on the plus strand (G>T on the coding strand, the complement: IQSEC2 is on the minus strand). VCF-style: chrX-53320621-C-A. GRCh37 (hg19) VCF-style: chrX-53349819-C-A.
Other names: short protein forms R168L.
Identifiers: ClinVar variation 373150 (VCV000373150.1), dbSNP rs1057518254, ClinGen allele CA16043295.

ClinVar aggregate classification (germline): Uncertain significance (1 of 4 stars; one submission).

Submission:

GeneDx
Classification: Uncertain significance. Last evaluated: 2016-11-10. Review status: criteria provided, single submitter. Criteria: GeneDx Variant Classification (06012015). Collection method: clinical testing. Allele origin: germline. Affected: yes.
Comment: A variant of uncertain significance has been identified in the IQSEC2 gene. The R168L variant has not been published as a pathogenic variant, nor has it been reported as a benign variant to our knowledge. It was not observed in approximately 2,300 individuals of European and African American ancestry in the NHLBI Exome Sequencing Project, indicating it is not a common benign variant in these populations. The R168L variant is a non-conservative amino acid substitution, which is likely to impact secondary protein structure as these residues differ in polarity, charge, size and/or other properties. Additionally, this substitution occurs at a position that is conserved in mammals. However, in silico analysis is inconsistent in its predictions as to whether or not the variant is damaging to the protein structure/function. Therefore, based on the currently available information, it is unclear whether this variant is a pathogenic variant or a rare benign variant.